The following is an entry in ClinVar:

NM_021008.4(DEAF1):c.788T>C (p.Leu263Ser)

Gene: DEAF1 (DEAF1 transcription factor; minus strand). Cytogenetic location: 11p15.5.
Variant type: single nucleotide variant.
Coding change: c.788T>C on transcript NM_021008.4 (MANE Select); coding-DNA position 788, T replaced by C.
Protein change: p.Leu263Ser; replaces leucine 263 with serine.
Molecular consequence: missense variant. On other transcripts: intron variant (1).
Genome position (GRCh38, 1-based): chr11:686,874, A>G on the plus strand (T>C on the coding strand, the complement: DEAF1 is on the minus strand). VCF-style: chr11-686874-A-G. GRCh37 (hg19) VCF-style: chr11-686874-A-G.
Other names: c.62T>C, p.Leu21Ser (NM_001367390.1, NM_001440885.1, NM_001440886.1 and 1 more transcripts); c.788T>C, p.Leu263Ser (NM_001440883.1, NM_001440884.1); c.664+1037T>C (NM_001293634.2); short protein forms L21S, L263S.
Identifiers: ClinVar variation 2098659 (VCV002098659.6), dbSNP rs2494448292, ClinGen allele CA378931835.
Genomic context (GRCh38, chr11:686,874, plus strand): 5'-CGTCTGAACTGTGTGCTGAGCACAGGTGAGGTCACGGACGATACCTGGATGAGGCACTGC[A>G]AGGGTCGGCCCGCGTAGCGAATGCTTCTTTTCCAGTCCTTACTGCTGGCTCTTCCTGCCA-3'
Protein context (NP_066288.2, residues 253-273): KRSIRYAGRP[Leu263Ser]QCLIQDGILN

ClinVar aggregate classification (germline): Conflicting classifications of pathogenicity. Review status: criteria provided, conflicting classifications (1 of 4 stars). 2 submissions from 2 submitters: Pathogenic (1); Uncertain significance (1). Last evaluated 2026-07-24.

Submissions (2):

GeneDx
Classification: Pathogenic. Last evaluated: 2026-07-24. Review status: criteria provided, single submitter. Criteria: GeneDx Variant Classification Process June 2021. Collection method: clinical testing. Allele origin: germline.
Comment: Not observed at significant frequency in large population cohorts (gnomAD); In silico analysis supports that this missense variant has a deleterious effect on protein structure/function; This variant is associated with the following publications: (PMID: 33994118)

Labcorp Genetics (formerly Invitae), Labcorp
Classification: Uncertain significance. Last evaluated: 2022-08-18. Review status: criteria provided, single submitter. Criteria: Invitae Variant Classification Sherloc (09022015). Collection method: clinical testing. Allele origin: germline.
Comment: Advanced modeling of protein sequence and biophysical properties (such as structural, functional, and spatial information, amino acid conservation, physicochemical variation, residue mobility, and thermodynamic stability) performed at Invitae indicates that this missense variant is expected to disrupt DEAF1 protein function. In summary, the available evidence is currently insufficient to determine the role of this variant in disease. Therefore, it has been classified as a Variant of Uncertain Significance. This missense change has been observed in individual(s) with neurodevelopmental disorder (PMID: 33994118). This variant is not present in population databases (gnomAD no frequency). This sequence change replaces leucine, which is neutral and non-polar, with serine, which is neutral and polar, at codon 263 of the DEAF1 protein (p.Leu263Ser).

Literature cited by the submitters: PubMed 33994118 (cited by Labcorp Genetics (formerly Invitae), Labcorp).